The following is an entry in ClinVar:

NM_000275.3(OCA2):c.1270del (p.Ala424fs)

Gene: OCA2 (OCA2 melanosomal transmembrane protein; minus strand). Cytogenetic location: 15q13.1.
Variant type: Deletion.
Coding change: c.1270del on transcript NM_000275.3 (MANE Select); coding-DNA position 1270, one base deleted (G; older notation c.1270delG).
Protein change: p.Ala424fs; shifts the reading frame from alanine 424.
Molecular consequence: frameshift variant.
Genome position (GRCh38, 1-based): chr15:27,985,158, C deleted on the plus strand (G on the coding strand, the reverse complement: OCA2 is on the minus strand); the first of 3 consecutive C bases (chr15:27,985,158-27,985,160); deleting any one gives the same sequence. VCF-style (leftmost placement, unchanged base first): chr15-27985157-GC-G. GRCh37 (hg19) VCF-style: chr15-28230303-GC-G.
Other names: c.1198del, p.Ala400fs (NM_001300984.2); short protein forms A400fs, A424fs.
Identifiers: ClinVar variation 4762190 (VCV004762190.2).
Genomic context (GRCh38, chr15:27,985,157, plus strand): 5'-GTGACGTTGTCCAAGAAGGCAGAGAGGACGGCCGCGATGAGACAGAGCATGATGATCATG[GC>G]CCACACCCGTCCCCGGGAGAGCCGGTATGCCTGGCCACACACACACAGAGAGAGTACAAG-3'

ClinVar aggregate classification (germline): Pathogenic. Review status: criteria provided, multiple submitters, no conflicts (2 of 4 stars). 2 submissions from 2 submitters: Pathogenic (2). Last evaluated 2026-03-28.

Conditions:
Tyrosinase-positive oculocutaneous albinism (OCA2). Also called: Albinism, oculocutaneous, type II; ALBINISM II; Oculocutaneous albinism type 2. Identifiers: Orphanet 79432, MedGen C0268495, MONDO:0008746, OMIM 203200.

Submissions (2):

Myriad Genetics, Inc.
Classification: Pathogenic for Tyrosinase-positive oculocutaneous albinism. Last evaluated: 2026-03-28. Review status: criteria provided, single submitter. Criteria: Myriad Autosomal Dominant, Autosomal Recessive and X-Linked Classification Criteria (2023). Collection method: clinical testing. Allele origin: unknown.
Comment: NM_000275.2(OCA2):c.1270delG(A424Pfs*2) is expected to be pathogenic in the context of oculocutaneous albinism, OCA2-related. This variant is predicted to lead to an abnormal or absent protein product due to the creation of a premature termination codon in OCA2, a gene where loss-of-function variants are known to be pathogenic. Please note: this variant was assessed in the context of healthy population screening.

Labcorp Genetics (formerly Invitae), Labcorp
Classification: Pathogenic. Last evaluated: 2025-07-20. Review status: criteria provided, single submitter. Criteria: Invitae Variant Classification Sherloc (09022015). Collection method: clinical testing. Allele origin: germline.
Comment: This sequence change creates a premature translational stop signal (p.Ala424Profs*2) in the OCA2 gene. It is expected to result in an absent or disrupted protein product. Loss-of-function variants in OCA2 are known to be pathogenic (PMID: 19865097, 21541274). This variant is not present in population databases (gnomAD no frequency). This variant has not been reported in the literature in individuals affected with OCA2-related conditions. For these reasons, this variant has been classified as Pathogenic.

Literature cited by the submitters: PubMed 19865097 (cited by Labcorp Genetics (formerly Invitae), Labcorp); PubMed 21541274 (cited by Labcorp Genetics (formerly Invitae), Labcorp).